The following is an entry in ClinVar:

ClinVar aggregate classification (germline): Likely benign. Review status: criteria provided, multiple submitters, no conflicts (2 of 4 stars). 3 submissions from 3 submitters: Likely benign (3). Last evaluated 2023-10-25.

Conditions:
Dilated cardiomyopathy 1G (CMD1G). Identifiers: Orphanet 154, MedGen C1858763, MONDO:0011400, OMIM 604145.
Autosomal recessive limb-girdle muscular dystrophy type 2J (LGMDR10). Also called: MUSCULAR DYSTROPHY, LIMB-GIRDLE, AUTOSOMAL RECESSIVE 10; Limb-girdle muscular dystrophy, type 2J. Identifiers: Orphanet 140922, MedGen C1837342, MONDO:0012127, OMIM 608807.

Allele frequency attached by ClinVar (database versions not stated): gnomAD exomes 0.00001.
gnomAD v4.1: 7 of 1,613,486 alleles (0.00043%); highest among the groups gnomAD compares: Non-Finnish European, 0.00059%; no homozygotes.

Submissions (3):

Blueprint Genetics
Classification: Likely benign. Last evaluated: 2023-10-25. Review status: criteria provided, single submitter. Criteria: ACMG Guidelines, 2015. Collection method: clinical testing. Allele origin: germline.

CeGaT Center for Human Genetics Tuebingen
Classification: Likely benign. Last evaluated: 2023-06-01. Review status: criteria provided, single submitter. Criteria: CeGaT Center For Human Genetics Tuebingen Variant Classification Criteria Version 2. Collection method: clinical testing. Allele origin: germline. Affected: yes. Observed: 1 variant allele.
Comment: TTN: BP4, BP7

Labcorp Genetics (formerly Invitae), Labcorp
Classification: Likely benign for Dilated cardiomyopathy 1G; Autosomal recessive limb-girdle muscular dystrophy type 2J. Last evaluated: 2023-02-26. Review status: criteria provided, single submitter. Criteria: Invitae Variant Classification Sherloc (09022015). Collection method: clinical testing. Allele origin: germline.

NM_001267550.2(TTN):c.23199A>T (p.Val7733=)

Gene: TTN (titin; minus strand). Cytogenetic location: 2q31.2.
Variant type: single nucleotide variant.
Coding change: c.23199A>T on transcript NM_001267550.2 (MANE Select); coding-DNA position 23199, A replaced by T.
Protein change: p.Val7733=; no amino-acid change (valine 7733 retained).
Molecular consequence: synonymous variant. On other transcripts: intron variant (3).
Genome position (GRCh38, 1-based): chr2:178,720,563, T>A on the plus strand (A>T on the coding strand, the complement: TTN is on the minus strand). VCF-style: chr2-178720563-T-A. GRCh37 (hg19) VCF-style: chr2-179585290-T-A.
Other names: c.22248A>T, p.Val7416= (NM_001256850.1); c.19467A>T, p.Val6489= (NM_133378.4); c.13282+17519A>T (NM_003319.4); c.13858+17519A>T (NM_133437.4); c.13657+17519A>T (NM_133432.3).
Identifiers: ClinVar variation 1152259 (VCV001152259.36), dbSNP rs1169967369, ClinGen allele CA430287314.